The following is an entry in ClinVar:

NM_001243279.3(ACSF3):c.989C>G (p.Ser330Ter)

Genes: ACSF3 (acyl-CoA synthetase family member 3; plus strand), LOC125177393 (P300/CBP strongly-dependent group 1 enhancer GRCh37_chr16:89180375-89181574; plus strand). Cytogenetic location: 16q24.3.
Variant type: single nucleotide variant.
Coding change: c.989C>G on transcript NM_001243279.3 (MANE Select); coding-DNA position 989, C replaced by G.
Protein change: p.Ser330Ter; replaces serine 330 with a stop codon.
Molecular consequence: nonsense. On other transcripts: non-coding transcript variant (2).
Genome position (GRCh38, 1-based): chr16:89,114,350, C>G. VCF-style: chr16-89114350-C-G. GRCh37 (hg19) VCF-style: chr16-89180758-C-G.
Other names: c.989C>G, p.Ser330Ter (NM_001127214.4, NM_174917.5); c.194C>G, p.Ser65Ter (NM_001284316.2); short protein forms S330*, S65*.
Identifiers: ClinVar variation 4816979 (VCV004816979.1).

ClinVar aggregate classification (germline): Likely pathogenic (1 of 4 stars; one submission).

Conditions:
Combined malonic and methylmalonic acidemia. Identifiers: Orphanet 289504, MedGen C3280314, MONDO:0013661, OMIM 614265.

Submission:

Natera, Inc.
Classification: Likely pathogenic for Combined malonic and methylmalonic aciduria. Last evaluated: 2025-11-26. Review status: criteria provided, single submitter. Criteria: Natera Variant Classification Schema (03/2026). Collection method: clinical testing. Allele origin: germline.
Comment: The c.989C>G variant in ACSF3 is a nonsense variant predicted to introduce a stop codon at amino acid 330. This variant is expected to result in nonsense mediated decay, truncation, or a dysfunctional protein product. This variant is rare in the general population with a frequency below the threshold expected for the associated phenotype(s). Given the available evidence, this variant is classified as Likely Pathogenic.